The following is an entry in ClinVar:

ClinVar aggregate classification (germline): Pathogenic (1 of 4 stars; one submission).

Conditions:
Polycystic kidney disease, adult type (PKD1). Also called: POLYCYSTIC KIDNEY DISEASE, ADULT, TYPE I; POLYCYSTIC KIDNEY DISEASE 1 WITH OR WITHOUT POLYCYSTIC LIVER DISEASE; Polycystic Kidney Disease 1, Autosomal Dominant; Polycystic kidney disease 1; Polycystic kidney disease 1, severe; Polycystic Kidney, Autosomal Dominant. Identifiers: MedGen C3149841, MONDO:0008263, OMIM 173900.

Submission:

MVZ Medizinische Genetik Mainz
Classification: Pathogenic for Polycystic kidney disease, adult type. Last evaluated: 2025-09-02. Review status: criteria provided, single submitter. Criteria: UK Practice Guidelines For Variant Classification V4 01 2020. Collection method: clinical testing. Allele origin: germline. Inheritance: Autosomal dominant inheritance. Affected: yes. Observed: 1 variant allele.
Comment: ACMG Criteria: PVS1,PS4_SUP,PM2_SUP,PP4

NM_001009944.3(PKD1):c.5438_5447del (p.Gly1813fs)

Gene: PKD1 (polycystin 1, transient receptor potential channel interacting; minus strand). Cytogenetic location: 16p13.3.
Variant type: Deletion.
Coding change: c.5438_5447del on transcript NM_001009944.3 (MANE Select); coding-DNA positions 5438 to 5447, 10 bases deleted (GAGGCAGCTT; older notation c.5438_5447delGAGGCAGCTT).
Protein change: p.Gly1813fs; shifts the reading frame from glycine 1813.
Molecular consequence: frameshift variant.
Genome position (GRCh38, 1-based): chr16:2,109,720-2,109,729, AAGCTGCCTC deleted on the plus strand (GAGGCAGCTT on the coding strand, the reverse complement: PKD1 is on the minus strand). VCF-style (leftmost placement, unchanged base first): chr16-2109719-GAAGCTGCCTC-G. GRCh37 (hg19) VCF-style: chr16-2159720-GAAGCTGCCTC-G.
Other names: c.5438_5447del, p.Gly1813fs (NM_000296.4); short protein forms G1813fs.
Identifiers: ClinVar variation 4277249 (VCV004277249.1).
Genomic context (GRCh38, chr16:2,109,719, plus strand): 5'-GCTCACATTGGTGCCCGTGGCCAGCTGCCCCCAAAAGGGCACAGAGGACCCGGCCGCCAC[GAAGCTGCCTC>G]CGGGCTCGCTGGCCCTGATGCTGAGGCCACTCACAGGCACCTGCACATCCACTTCCACGG-3'